The following is an entry in ClinVar:

ClinVar aggregate classification (germline): Likely pathogenic (1 of 4 stars; one submission).

Conditions:
Hypertrophic cardiomyopathy 1 (CMH1). Also called: Familial hypertrophic cardiomyopathy 1; MYH7-Related Familial Hypertrophic Cardiomyopathy. Identifiers: MedGen C3495498, MONDO:0008647, OMIM 192600.

Submission:

Molecular Genetics Laboratory, Motol Hospital
Classification: Likely pathogenic for Hypertrophic cardiomyopathy 1. Last evaluated: 2026-06-04. Review status: criteria provided, single submitter. Criteria: ACMG Guidelines, 2015. Collection method: clinical testing. Allele origin: germline. Affected: yes. Observed: 2 variant alleles.
Comment: A rare variant not present in non-Finnish European population (gnomAD v4.1.1) (PM2). Rare missense variants in the MYH7 gene are associated with autosomal dominant hypertrophic cardiomyopathy (PP2). The variant is located in the mutation hotspot in the exon 19 of the MYH7 gene (PM1, PP3). Different amino acid change is a known pathogenic variant (PM5). The variant c.2151C>A is classified as likely pathogenic.

Literature cited by the submitters: PubMed 36007715; PubMed 39448255.

NM_000257.4(MYH7):c.2151C>A (p.Asp717Glu)

Gene: MYH7 (myosin heavy chain 7; minus strand). Cytogenetic location: 14q11.2.
Variant type: single nucleotide variant.
Coding change: c.2151C>A on transcript NM_000257.4 (MANE Select); coding-DNA position 2151, C replaced by A.
Protein change: p.Asp717Glu; replaces aspartic acid 717 with glutamic acid.
Molecular consequence: missense variant.
Genome position (GRCh38, 1-based): chr14:23,425,975, G>T on the plus strand (C>A on the coding strand, the complement: MYH7 is on the minus strand). VCF-style: chr14-23425975-G-T. GRCh37 (hg19) VCF-style: chr14-23895184-G-T.
Other names: c.2151C>A, p.Asp717Glu (NM_001407004.1); short protein forms D717E.
Identifiers: ClinVar variation 4856609 (VCV004856609.1).